The following is an entry in ClinVar:

NM_001267550.2(TTN):c.72963_72964del (p.Val24321_Phe24322insTer)

Genes: TTN-AS1 (TTN antisense RNA 1; plus strand), TTN (titin; minus strand). Cytogenetic location: 2q31.2.
Variant type: Microsatellite.
Coding change: c.72963_72964del on transcript NM_001267550.2 (MANE Select); coding-DNA positions 72963 to 72964, 2 bases deleted (GT; older notation c.72963_72964delGT).
Protein change: p.Val24321_Phe24322insTer.
Molecular consequence: frameshift variant.
Genome position (GRCh38, 1-based): chr2:178,573,168-178,573,169, AC deleted on the plus strand (GT on the coding strand, the reverse complement: TTN is on the minus strand); deleting any 2 consecutive bases within chr2:178,573,168-178,573,172 gives the same sequence; the c. name uses the placement nearest the transcript's 3' end. VCF-style (leftmost placement, unchanged base first): chr2-178573167-AAC-A. GRCh37 (hg19) VCF-style: chr2-179437894-AAC-A.
Other names: c.68040_68041del, p.Val22680_Phe22681insTer (NM_001256850.1); c.45768_45769del, p.Val15256_Phe15257insTer (NM_003319.4); c.65259_65260del, p.Val21753_Phe21754insTer (NM_133378.4); c.46143_46144del, p.Val15381_Phe15382insTer (NM_133432.3); c.46344_46345del, p.Val15448_Phe15449insTer (NM_133437.4).
Identifiers: ClinVar variation 852640 (VCV000852640.11), dbSNP rs1708864326, ClinGen allele CA916081336.

ClinVar aggregate classification (germline): Likely pathogenic. Review status: criteria provided, multiple submitters, no conflicts (2 of 4 stars). 2 submissions from 2 submitters: Likely pathogenic (2). Last evaluated 2024-05-07.

Conditions:
Dilated cardiomyopathy 1G (CMD1G). Identifiers: Orphanet 154, MedGen C1858763, MONDO:0011400, OMIM 604145.
Autosomal recessive limb-girdle muscular dystrophy type 2J (LGMDR10). Also called: MUSCULAR DYSTROPHY, LIMB-GIRDLE, AUTOSOMAL RECESSIVE 10; Limb-girdle muscular dystrophy, type 2J. Identifiers: Orphanet 140922, MedGen C1837342, MONDO:0012127, OMIM 608807.

Submissions (2):

Institute of Medical Genetics and Applied Genomics, University Hospital Tübingen
Classification: Likely pathogenic for Dilated cardiomyopathy 1G. Last evaluated: 2024-05-07. Review status: criteria provided, single submitter. Criteria: ACMG Guidelines, 2015. Collection method: clinical testing. Allele origin: germline. Inheritance: Autosomal dominant inheritance. Affected: yes.

Labcorp Genetics (formerly Invitae), Labcorp
Classification: Likely pathogenic for Dilated cardiomyopathy 1G; Autosomal recessive limb-girdle muscular dystrophy type 2J. Last evaluated: 2019-01-04. Review status: criteria provided, single submitter. Criteria: Invitae Variant Classification Sherloc (09022015). Collection method: clinical testing. Allele origin: germline.
Comment: In summary, the currently available evidence indicates that the variant is pathogenic, but additional data are needed to prove that conclusively. Therefore, this variant has been classified as Likely Pathogenic. This variant is located in the A band of TTN (PMID: 25589632). Truncating variants in this region are significantly overrepresented in patients affected with dilated cardiomyopathy (PMID: 25589632). Truncating variants in this region have also been reported in individuals affected with autosomal recessive centronuclear myopathy (PMID: 23975875). This variant has not been reported in the literature in individuals with TTN-related conditions. This variant is not present in population databases (ExAC no frequency). This sequence change results in a premature translational stop signal in the TTN gene (p.Phe24322*). While this is not anticipated to result in nonsense mediated decay, it is expected to create a truncated TTN protein.

Literature cited by the submitters: PubMed 25589632 (cited by Labcorp Genetics (formerly Invitae), Labcorp); PubMed 23975875 (cited by Labcorp Genetics (formerly Invitae), Labcorp).